The following is an entry in ClinVar:

ClinVar aggregate classification (germline): Uncertain significance (1 of 4 stars; one submission).

Conditions:
Primary ciliary dyskinesia. Also called: Ciliary dyskinesia. Identifiers: Orphanet 244, MedGen C0008780, MONDO:0016575, HP:0012265.

Submission:

Labcorp Genetics (formerly Invitae), Labcorp
Classification: Uncertain significance for Primary ciliary dyskinesia. Last evaluated: 2023-08-10. Review status: criteria provided, single submitter. Criteria: Invitae Variant Classification Sherloc (09022015). Collection method: clinical testing. Allele origin: germline.
Comment: In summary, the available evidence is currently insufficient to determine the role of this variant in disease. Therefore, it has been classified as a Variant of Uncertain Significance. This variant has not been reported in the literature in individuals affected with DNAH5-related conditions. This variant results in a copy number gain of the genomic region encompassing exon(s) 79 of the DNAH5 gene. This region includes the termination codon of the gene. This copy number gain extends beyond the assayed region for this gene and therefore may encompass additional genes. As the precise location of this event is unknown, it may be in tandem or it may be located elsewhere in the genome.

NC_000005.9:g.(?_13692073)_(13692264_?)dup

Gene: DNAH5 (dynein axonemal heavy chain 5; minus strand). Cytogenetic location: 5p15.2.
Variant type: Duplication.
Identifiers: ClinVar variation 583675 (VCV000583675.13).